The following is an entry in ClinVar:

ClinVar aggregate classification (germline): Uncertain significance (1 of 4 stars; one submission).

Conditions:
Hereditary cancer-predisposing syndrome. Also called: Tumor predisposition; Neoplastic Syndromes, Hereditary; Hereditary Cancer Syndrome; Hereditary neoplastic syndrome. Identifiers: Orphanet 140162, MedGen C0027672, MeSH D009386, MONDO:0015356.

Submission:

Ambry Genetics
Classification: Uncertain significance for Hereditary cancer-predisposing syndrome. Last evaluated: 2018-06-07. Review status: criteria provided, single submitter. Criteria: Ambry Variant Classification Scheme 2023. Collection method: clinical testing. Allele origin: germline.
Comment: The p.P2775H variant (also known as c.8324C>A), located in coding exon 56 of the ATM gene, results from a C to A substitution at nucleotide position 8324. The proline at codon 2775 is replaced by histidine, an amino acid with similar properties. This amino acid position is highly conserved in available vertebrate species. In addition, this alteration is predicted to be deleterious by in silico analysis. Since supporting evidence is limited at this time, the clinical significance of this alteration remains unclear.

NM_000051.4(ATM):c.8324C>A (p.Pro2775His)

Genes: C11orf65 (chromosome 11 open reading frame 65; minus strand), ATM (ATM serine/threonine kinase; plus strand). Cytogenetic location: 11q22.3.
Variant type: single nucleotide variant.
Coding change: c.8324C>A on transcript NM_000051.4 (MANE Select); coding-DNA position 8324, C replaced by A.
Protein change: p.Pro2775His; replaces proline 2775 with histidine.
Molecular consequence: missense variant. On other transcripts: intron variant (2).
Genome position (GRCh38, 1-based): chr11:108,343,277, C>A. VCF-style: chr11-108343277-C-A. GRCh37 (hg19) VCF-style: chr11-108214004-C-A.
Other names: c.8324C>A, p.Pro2775His (NM_001351834.2); c.641-34206G>T (NM_001330368.2); c.695-7985G>T (NM_001351110.2); short protein forms P2775H.
Identifiers: ClinVar variation 822297 (VCV000822297.6), dbSNP rs1591248275, ClinGen allele CA382516399.